The following is an entry in ClinVar:

NM_006648.4(WNK2):c.4184C>G (p.Pro1395Arg)

Gene: WNK2 (WNK lysine deficient protein kinase 2; plus strand). Cytogenetic location: 9q22.31.
Variant type: single nucleotide variant.
Coding change: c.4184C>G on transcript NM_006648.4 (MANE Select); coding-DNA position 4184, C replaced by G.
Protein change: p.Pro1395Arg; replaces proline 1395 with arginine.
Molecular consequence: missense variant.
Genome position (GRCh38, 1-based): chr9:93,288,938, C>G. VCF-style: chr9-93288938-C-G. GRCh37 (hg19) VCF-style: chr9-96051220-C-G.
Other names: c.4295C>G, p.Pro1432Arg (NM_001282394.3); short protein forms P1395R, P1432R.
Identifiers: ClinVar variation 4866652 (VCV004866652.1).

ClinVar aggregate classification (germline): Uncertain significance (1 of 4 stars; one submission).

Submission:

Ambry Genetics
Classification: Uncertain significance. Last evaluated: 2026-05-14. Review status: criteria provided, single submitter. Criteria: Ambry Variant Classification Scheme 2023. Collection method: clinical testing. Allele origin: germline.
Comment: The p.P1395R variant (also known as c.4184C>G), located in coding exon 19 of the WNK2 gene, results from a C to G substitution at nucleotide position 4184. The proline at codon 1395 is replaced by arginine, an amino acid with dissimilar properties. This amino acid position is conserved. In addition, this alteration is predicted to be tolerated by in silico analysis. Based on the available evidence, the clinical significance of this variant remains unclear.